The following is an entry in ClinVar:

NM_000088.4(COL1A1):c.4081G>A (p.Glu1361Lys)

Gene: COL1A1 (collagen type I alpha 1 chain; minus strand). Cytogenetic location: 17q21.33.
Variant type: single nucleotide variant.
Coding change: c.4081G>A on transcript NM_000088.4 (MANE Select); coding-DNA position 4081, G replaced by A.
Protein change: p.Glu1361Lys; replaces glutamic acid 1361 with lysine.
Molecular consequence: missense variant.
Genome position (GRCh38, 1-based): chr17:50,185,945, C>T on the plus strand (G>A on the coding strand, the complement: COL1A1 is on the minus strand). VCF-style: chr17-50185945-C-T. GRCh37 (hg19) VCF-style: chr17-48263306-C-T.
Other names: short protein forms E1361K.
Identifiers: ClinVar variation 493218 (VCV000493218.59), dbSNP rs141011435, ClinGen allele CA8644257.

ClinVar aggregate classification (germline): Uncertain significance. Review status: criteria provided, multiple submitters, no conflicts (2 of 4 stars). 5 submissions from 5 submitters: Uncertain significance (5). Last evaluated 2026-07-27.

Conditions:
Osteogenesis imperfecta (OI). Identifiers: Orphanet 666, MedGen C0029434, MeSH D010013, MONDO:0019019.
Osteogenesis imperfecta type I (OI1). Also called: OI, TYPE I; OSTEOGENESIS IMPERFECTA TARDA; OSTEOGENESIS IMPERFECTA WITH BLUE SCLERAE; Lobstein disease; Lobstein's Disease; Osteogenesis imperfecta type 1. Identifiers: Orphanet 216796, Orphanet 666, MedGen C0023931, MONDO:0008146, OMIM 166200. Disease mechanism: loss of function.
COL1A1-related disorder. Also called: COL1A1- related disease; COL1A1-related condition.

Allele frequency attached by ClinVar (database versions not stated): TOPMed 0.00006.
gnomAD v4.1: 46 of 1,613,882 alleles (0.0029%); highest among the groups gnomAD compares: Middle Eastern, 0.066%; no homozygotes.

Submissions (5):

PreventionGenetics, part of Exact Sciences
Classification: Uncertain significance for COL1A1-related condition. Last evaluated: 2026-07-27. Review status: criteria provided, single submitter. Criteria: ACMG Guidelines, 2015. Collection method: clinical testing. Allele origin: germline.
Comment: The COL1A1 c.4081G>A variant is predicted to result in the amino acid substitution p.Glu1361Lys. This variant was reported in an individual with autosomal dominant osteogenesis imperfecta IV (Table S1, Symoens et al. 2014. PubMed ID: 251467350. PubMed ID: 33451138). This variant was reported (presumably in heterozygous state) in another individual with early-onset osteoporosis (Table S1, Mancini et al. 2024. PubMed ID: 39316135). This variant is reported in 0.0070% of alleles in individuals of European (Non-Finnish) descent in gnomAD. This variant is assessed as variant of uncertain significance in ClinVAr (Variation ID: 493218 ). At this time, the clinical significance of this variant is uncertain due to the absence of conclusive functional and genetic evidence.

Labcorp Genetics (formerly Invitae), Labcorp
Classification: Uncertain significance for Osteogenesis imperfecta type I. Last evaluated: 2025-09-04. Review status: criteria provided, single submitter. Criteria: Invitae Variant Classification Sherloc (09022015). Collection method: clinical testing. Allele origin: germline.
Comment: This sequence change replaces glutamic acid, which is acidic and polar, with lysine, which is basic and polar, at codon 1361 of the COL1A1 protein (p.Glu1361Lys). This variant is present in population databases (rs141011435, gnomAD 0.007%). This missense change has been observed in individual(s) with osteogenesis imperfecta (PMID: 25146735; internal data). ClinVar contains an entry for this variant (Variation ID: 493218). Invitae Evidence Modeling of protein sequence and biophysical properties (such as structural, functional, and spatial information, amino acid conservation, physicochemical variation, residue mobility, and thermodynamic stability) indicates that this missense variant is not expected to disrupt COL1A1 protein function with a negative predictive value of 95%. In summary, the available evidence is currently insufficient to determine the role of this variant in disease. Therefore, it has been classified as a Variant of Uncertain Significance.

CeGaT Center for Human Genetics Tuebingen
Classification: Uncertain significance. Last evaluated: 2025-06-01. Review status: criteria provided, single submitter. Criteria: CeGaT Center For Human Genetics Tuebingen Variant Classification Criteria Version 2. Collection method: clinical testing. Allele origin: germline. Affected: yes. Observed: 3 variant alleles.

GeneDx
Classification: Uncertain significance. Last evaluated: 2024-05-30. Review status: criteria provided, single submitter. Criteria: GeneDx Variant Classification Process June 2021. Collection method: clinical testing. Allele origin: germline. Affected: yes.
Comment: Reported in association with Osteogenesis Imperfecta (OI) type IV; however, specific clinical information was not provided (PMID: 25146735); In silico analysis indicates that this missense variant does not alter protein structure/function; Not located in the triple helical region, where the majority of pathogenic missense variants occur (HGMD); This variant is associated with the following publications: (PMID: 34426522, 33451138, 37810882, 38630854, 25146735)

Genetics Department, Polish Mother's Memorial Hospital Research Institute
Classification: Uncertain significance for Osteogenesis imperfecta. Last evaluated: 2020-04-06. Review status: criteria provided, single submitter. Criteria: ACMG Guidelines, 2015. Collection method: research. Allele origin: maternal. Affected: yes. Observed: 4 variant alleles.

Literature cited by the submitters: PubMed 25146735 (cited by Labcorp Genetics (formerly Invitae), Labcorp).